The following is an entry in ClinVar:

NM_014956.5(CEP164):c.4119C>G (p.Asn1373Lys)

Gene: CEP164 (centrosomal protein 164; plus strand). Cytogenetic location: 11q23.3.
Variant type: single nucleotide variant.
Coding change: c.4119C>G on transcript NM_014956.5 (MANE Select); coding-DNA position 4119, C replaced by G.
Protein change: p.Asn1373Lys; replaces asparagine 1373 with lysine.
Molecular consequence: missense variant.
Genome position (GRCh38, 1-based): chr11:117,410,850, C>G. VCF-style: chr11-117410850-C-G. GRCh37 (hg19) VCF-style: chr11-117281566-C-G.
Other names: c.4119C>G (NM_014956.4); c.4104C>G, p.Asn1368Lys (NM_001271933.2); short protein forms N1368K, N1373K.
Identifiers: ClinVar variation 1053685 (VCV001053685.7), dbSNP rs73016324, ClinGen allele CA229375828.

ClinVar aggregate classification (germline): Uncertain significance. Review status: criteria provided, multiple submitters, no conflicts (2 of 4 stars). 2 submissions from 2 submitters: Uncertain significance (2). Last evaluated 2026-08-06.

Conditions:
CEP164-related disorder. Also called: CEP164-related condition.
Nephronophthisis 15 (NPHP15). Identifiers: Orphanet 3156, MedGen C3541853, MONDO:0013917, OMIM 614845.

gnomAD v4.1: 11 of 1,613,006 alleles (0.00068%); highest among the groups gnomAD compares: Non-Finnish European, 0.00093%; no homozygotes.

Submissions (2):

PreventionGenetics, part of Exact Sciences
Classification: Uncertain significance for CEP164-related condition. Last evaluated: 2026-08-06. Review status: criteria provided, single submitter. Criteria: ACMG Guidelines, 2015. Collection method: clinical testing. Allele origin: germline.
Comment: The CEP164 c.4119C>G variant is predicted to result in the amino acid substitution p.Asn1373Lys. To our knowledge, this variant has not been reported in the literature or in a large population database (gnomAD), indicating this variant is rare. At this time, the clinical significance of this variant is uncertain due to the absence of conclusive functional and genetic evidence.

Labcorp Genetics (formerly Invitae), Labcorp
Classification: Uncertain significance for Nephronophthisis 15. Last evaluated: 2022-10-26. Review status: criteria provided, single submitter. Criteria: Invitae Variant Classification Sherloc (09022015). Collection method: clinical testing. Allele origin: germline.
Comment: This sequence change replaces asparagine, which is neutral and polar, with lysine, which is basic and polar, at codon 1373 of the CEP164 protein (p.Asn1373Lys). This variant is not present in population databases (gnomAD no frequency). This variant has not been reported in the literature in individuals affected with CEP164-related conditions. ClinVar contains an entry for this variant (Variation ID: 1053685). Advanced modeling of protein sequence and biophysical properties (such as structural, functional, and spatial information, amino acid conservation, physicochemical variation, residue mobility, and thermodynamic stability) performed at Invitae indicates that this missense variant is not expected to disrupt CEP164 protein function. In summary, the available evidence is currently insufficient to determine the role of this variant in disease. Therefore, it has been classified as a Variant of Uncertain Significance.